The following is an entry in ClinVar:

ClinVar aggregate classification (germline): Conflicting classifications of pathogenicity. Review status: criteria provided, conflicting classifications (1 of 4 stars). 2 submissions from 2 submitters: Pathogenic (1); Uncertain significance (1). Last evaluated 2023-03-03.

Conditions:
Baller-Gerold syndrome (BGS). Also called: CRANIOSYNOSTOSIS WITH RADIAL DEFECTS. Identifiers: Orphanet 1225, MedGen C0265308, MONDO:0009039, OMIM 218600.
Ehlers-Danlos syndrome (EDS). Identifiers: Orphanet 98249, MedGen C0013720, MONDO:0020066.

Submissions (2):

Labcorp Genetics (formerly Invitae), Labcorp
Classification: Uncertain significance for Baller-Gerold syndrome. Last evaluated: 2023-03-03. Review status: criteria provided, single submitter. Criteria: Invitae Variant Classification Sherloc (09022015). Collection method: clinical testing. Allele origin: germline.
Comment: In summary, the available evidence is currently insufficient to determine the role of this variant in disease. Therefore, it has been classified as a Variant of Uncertain Significance. Advanced modeling of protein sequence and biophysical properties (such as structural, functional, and spatial information, amino acid conservation, physicochemical variation, residue mobility, and thermodynamic stability) performed at Invitae indicates that this missense variant is not expected to disrupt RECQL4 protein function. This variant has not been reported in the literature in individuals affected with RECQL4-related conditions. This variant is not present in population databases (gnomAD no frequency). This sequence change replaces threonine, which is neutral and polar, with alanine, which is neutral and non-polar, at codon 1044 of the RECQL4 protein (p.Thr1044Ala).

Cambridge Genomics Laboratory, East Genomic Laboratory Hub, NHS Genomic Medicine Service
Classification: Pathogenic for Ehlers-Danlos syndrome. Last evaluated: 2019-10-24. Review status: criteria provided, single submitter. Criteria: ACGS Best Practice Guidelines for Variant Classification in Rare Disease 2020. Collection method: clinical testing. Allele origin: germline. Affected: yes. Observed: 1 variant allele.

NM_004260.4(RECQL4):c.3130A>G (p.Thr1044Ala)

Gene: RECQL4 (RecQ like helicase 4; minus strand). Cytogenetic location: 8q24.3.
Variant type: single nucleotide variant.
Coding change: c.3130A>G on transcript NM_004260.4 (MANE Select); coding-DNA position 3130, A replaced by G.
Protein change: p.Thr1044Ala; replaces threonine 1044 with alanine.
Molecular consequence: missense variant. On other transcripts: non-coding transcript variant (3).
Genome position (GRCh38, 1-based): chr8:144,512,250, T>C on the plus strand (A>G on the coding strand, the complement: RECQL4 is on the minus strand). VCF-style: chr8-144512250-T-C. GRCh37 (hg19) VCF-style: chr8-145737633-T-C.
Other names: c.2836A>G, p.Thr946Ala (NM_001413017.1); c.2932A>G, p.Thr978Ala (NM_001413018.1); c.3205A>G, p.Thr1069Ala (NM_001413019.1); c.3034A>G, p.Thr1012Ala (NM_001413020.1); c.2059A>G, p.Thr687Ala (NM_001413021.1, NM_001413022.1, NM_001413024.1 and 4 more transcripts); c.2134A>G, p.Thr712Ala (NM_001413023.1); c.3001A>G, p.Thr1001Ala (NM_001413025.1); c.1993A>G, p.Thr665Ala (NM_001413027.1, NM_001413030.1, NM_001413032.1); and 9 more; short protein forms T1001A, T555A, T712A, T927A, T978A, T1000A, T1044A, T690A.
Identifiers: ClinVar variation 2995918 (VCV002995918.4), dbSNP rs1827381348, ClinGen allele CA372670421.
Genomic context (GRCh38, chr8:144,512,250, plus strand): 5'-GCTCCCGGGCCTGCACACGGCCATAGAGGAAGTCACATATCTGGTCCTTCTCCTCAGCGG[T>C]CAAGTCCCCCGGGCTGCGAAGGTGGAAGGCCAGCTCACTGAACTCCACAAGCACCCCTGT-3'
Protein context (NP_004251.4, residues 1034-1054): AFHLRSPGDL[Thr1044Ala]AEEKDQICDF